The following is an entry in ClinVar:

NM_007373.4(SHOC2):c.*656C>G

Gene: SHOC2 (SHOC2 leucine rich repeat scaffold protein; plus strand). Cytogenetic location: 10q25.2.
Variant type: single nucleotide variant.
Coding change: c.*656C>G on transcript NM_007373.4 (MANE Select); 656 bases downstream of the stop codon, C replaced by G.
Molecular consequence: 3 prime UTR variant. On other transcripts: non-coding transcript variant (1).
Genome position (GRCh38, 1-based): chr10:111,012,474, C>G. VCF-style: chr10-111012474-C-G. GRCh37 (hg19) VCF-style: chr10-112772232-C-G.
Other names: c.*656C>G (NM_001269039.3, NM_001324336.2, NM_001324337.2).
Identifiers: ClinVar variation 298871 (VCV000298871.29), dbSNP rs557334390, ClinGen allele CA10634974.

ClinVar aggregate classification (germline): Conflicting classifications of pathogenicity. Review status: criteria provided, conflicting classifications (1 of 4 stars). 2 submissions from 2 submitters: Uncertain significance (1); Benign (1). Last evaluated 2022-05-01.

Conditions:
Noonan syndrome-like disorder with loose anagen hair 1 (NSLH1). Also called: MAZZANTI SYNDROME; TOSTI SYNDROME. Identifiers: Orphanet 2701, MedGen C4478716, MONDO:0054637, OMIM 607721.

Allele frequency attached by ClinVar (database versions not stated): 1000 Genomes Project 30x 0.00031; TOPMed 0.00060; gnomAD 0.00090.

Submissions (2):

CeGaT Center for Human Genetics Tuebingen
Classification: Benign. Last evaluated: 2022-05-01. Review status: criteria provided, single submitter. Criteria: CeGaT Center For Human Genetics Tuebingen Variant Classification Criteria Version 2. Collection method: clinical testing. Allele origin: germline. Affected: yes. Observed: 1 variant allele.
Comment: SHOC2: BS1, BS2

Illumina Laboratory Services, Illumina
Classification: Uncertain significance for Noonan syndrome-like disorder with loose anagen hair 1. Last evaluated: 2018-01-12. Review status: criteria provided, single submitter. Criteria: ICSL Variant Classification Criteria 13 December 2019. Collection method: clinical testing. Allele origin: germline.